The following is an entry in ClinVar:

NM_004655.4(AXIN2):c.1068C>A (p.His356Gln)

Gene: AXIN2 (axin 2; minus strand). Cytogenetic location: 17q24.1.
Variant type: single nucleotide variant.
Coding change: c.1068C>A on transcript NM_004655.4 (MANE Select); coding-DNA position 1068, C replaced by A.
Protein change: p.His356Gln; replaces histidine 356 with glutamine.
Molecular consequence: missense variant.
Genome position (GRCh38, 1-based): chr17:65,538,335, G>T on the plus strand (C>A on the coding strand, the complement: AXIN2 is on the minus strand). VCF-style: chr17-65538335-G-T. GRCh37 (hg19) VCF-style: chr17-63534453-G-T.
Other names: c.1068C>A (NM_004655.3); c.1068C>A, p.His356Gln (NM_001363813.1); short protein forms H356Q.
Identifiers: ClinVar variation 1449876 (VCV001449876.7), dbSNP rs2144478759, ClinGen allele CA400678615.

ClinVar aggregate classification (germline): Uncertain significance. Review status: criteria provided, multiple submitters, no conflicts (2 of 4 stars). 2 submissions from 2 submitters: Uncertain significance (2). Last evaluated 2026-05-26.

Conditions:
Oligodontia-cancer predisposition syndrome. Also called: TOOTH AGENESIS-COLORECTAL CANCER SYNDROME. Identifiers: Orphanet 300576, MedGen C1837750, MONDO:0012075, OMIM 608615. Disease mechanism: loss of function.
Hereditary cancer-predisposing syndrome. Also called: Tumor predisposition; Neoplastic Syndromes, Hereditary; Hereditary Cancer Syndrome; Hereditary neoplastic syndrome. Identifiers: Orphanet 140162, MedGen C0027672, MeSH D009386, MONDO:0015356.

Submissions (2):

Ambry Genetics
Classification: Uncertain significance for Hereditary cancer-predisposing syndrome. Last evaluated: 2026-05-26. Review status: criteria provided, single submitter. Criteria: Ambry Variant Classification Scheme 2023. Collection method: clinical testing. Allele origin: germline.
Comment: The p.H356Q variant (also known as c.1068C>A), located in coding exon 4 of the AXIN2 gene, results from a C to A substitution at nucleotide position 1068. The histidine at codon 356 is replaced by glutamine, an amino acid with highly similar properties. This amino acid position is conserved. In addition, the in silico prediction for this alteration is inconclusive. Based on the available evidence, the clinical significance of this variant remains unclear.

Labcorp Genetics (formerly Invitae), Labcorp
Classification: Uncertain significance for Oligodontia-cancer predisposition syndrome. Last evaluated: 2024-04-05. Review status: criteria provided, single submitter. Criteria: Invitae Variant Classification Sherloc (09022015). Collection method: clinical testing. Allele origin: germline.
Comment: This sequence change replaces histidine, which is basic and polar, with glutamine, which is neutral and polar, at codon 356 of the AXIN2 protein (p.His356Gln). This variant is not present in population databases (gnomAD no frequency). This variant has not been reported in the literature in individuals affected with AXIN2-related conditions. ClinVar contains an entry for this variant (Variation ID: 1449876). Advanced modeling of protein sequence and biophysical properties (such as structural, functional, and spatial information, amino acid conservation, physicochemical variation, residue mobility, and thermodynamic stability) performed at Invitae indicates that this missense variant is not expected to disrupt AXIN2 protein function with a negative predictive value of 80%. In summary, the available evidence is currently insufficient to determine the role of this variant in disease. Therefore, it has been classified as a Variant of Uncertain Significance.